The following is an entry in ClinVar:

NM_018979.4(WNK1):c.5496G>T (p.Gln1832His)

Gene: WNK1 (WNK lysine deficient protein kinase 1; plus strand). Cytogenetic location: 12p13.33.
Variant type: single nucleotide variant.
Coding change: c.5496G>T on transcript NM_018979.4 (MANE Select); coding-DNA position 5496, G replaced by T.
Protein change: p.Gln1832His; replaces glutamine 1832 with histidine.
Molecular consequence: missense variant.
Genome position (GRCh38, 1-based): chr12:890,500, G>T. VCF-style: chr12-890500-G-T. GRCh37 (hg19) VCF-style: chr12-999666-G-T.
Other names: c.6276G>T, p.Gln2092His (NM_001184985.2); c.4755G>T, p.Gln1585His (NM_014823.3); c.6252G>T, p.Gln2084His (NM_213655.5); short protein forms Q1832H, Q2084H, Q2092H, Q1585H.
Identifiers: ClinVar variation 569533 (VCV000569533.13), dbSNP rs138219481, ClinGen allele CA6383208.

ClinVar aggregate classification (germline): Uncertain significance. Review status: criteria provided, multiple submitters, no conflicts (2 of 4 stars). 3 submissions from 3 submitters: Uncertain significance (3). Last evaluated 2026-08-19.

Conditions:
Pseudohypoaldosteronism type 2C (PHA2C). Also called: Pseudohypoaldosteronism Type IIC. Identifiers: Orphanet 757, Orphanet 88940, MedGen C1840391, MONDO:0013778, OMIM 614492.
Neuropathy, hereditary sensory and autonomic, type 2A (HSAN2A). Also called: ACROOSTEOLYSIS, GIACCAI TYPE; ACROOSTEOLYSIS, NEUROGENIC; HSAN IIA; WNK1-Related HSAN2 (HSAN2A); MORVAN DISEASE; NEUROPATHY, CONGENITAL SENSORY. Identifiers: Orphanet 970, MedGen C2752089, MONDO:0024309, OMIM 201300.
WNK1-related disorder. Also called: WNK1-related condition.

Allele frequency attached by ClinVar (database versions not stated): TOPMed 0.00002; 1000 Genomes Project 30x 0.00031; 1000 Genomes Project 0.00040.
gnomAD v4.1: 41 of 1,614,132 alleles (0.0025%); highest among the groups gnomAD compares: Admixed American, 0.005%; no homozygotes.

Submissions (3):

PreventionGenetics, part of Exact Sciences
Classification: Uncertain significance for WNK1-related condition. Last evaluated: 2026-08-19. Review status: criteria provided, single submitter. Criteria: ACMG Guidelines, 2015. Collection method: clinical testing. Allele origin: germline.
Comment: The WNK1 c.5496G>T variant is predicted to result in the amino acid substitution p.Gln1832His. To our knowledge, this variant has not been reported in the literature. This variant is reported in 0.0058% of alleles in individuals of Latino descent in gnomAD. At this time, the clinical significance of this variant is uncertain due to the absence of conclusive functional and genetic evidence.

Labcorp Genetics (formerly Invitae), Labcorp
Classification: Uncertain significance for Neuropathy, hereditary sensory and autonomic, type 2A; Pseudohypoaldosteronism type 2C. Last evaluated: 2025-03-15. Review status: criteria provided, single submitter. Criteria: Invitae Variant Classification Sherloc (09022015). Collection method: clinical testing. Allele origin: germline.
Comment: This sequence change replaces glutamine, which is neutral and polar, with histidine, which is basic and polar, at codon 2084 of the WNK1 protein (p.Gln2084His). This variant is present in population databases (rs138219481, gnomAD 0.003%). This variant has not been reported in the literature in individuals affected with WNK1-related conditions. ClinVar contains an entry for this variant (Variation ID: 569533). Invitae Evidence Modeling of protein sequence and biophysical properties (such as structural, functional, and spatial information, amino acid conservation, physicochemical variation, residue mobility, and thermodynamic stability) indicates that this missense variant is not expected to disrupt WNK1 protein function with a negative predictive value of 95%. In summary, the available evidence is currently insufficient to determine the role of this variant in disease. Therefore, it has been classified as a Variant of Uncertain Significance.

Fulgent Genetics
Classification: Uncertain significance for Neuropathy, hereditary sensory and autonomic, type 2A; Pseudohypoaldosteronism type 2C. Last evaluated: 2024-02-03. Review status: criteria provided, single submitter. Criteria: ACMG Guidelines, 2015. Collection method: clinical testing. Allele origin: germline.